The following is an entry in ClinVar:

ClinVar aggregate classification (germline): Uncertain significance (1 of 4 stars; one submission).

Conditions:
Duchenne muscular dystrophy (DMD). Also called: MUSCULAR DYSTROPHY, PSEUDOHYPERTROPHIC PROGRESSIVE, DUCHENNE TYPE; Duchenne Muscular Dystrophy (DMD). Identifiers: Orphanet 98896, MedGen C0013264, MONDO:0010679, OMIM 310200.

Submission:

Labcorp Genetics (formerly Invitae), Labcorp
Classification: Uncertain significance for Duchenne muscular dystrophy. Last evaluated: 2024-03-16. Review status: criteria provided, single submitter. Criteria: Invitae Variant Classification Sherloc (09022015). Collection method: clinical testing. Allele origin: germline.
Comment: This sequence change replaces arginine, which is basic and polar, with serine, which is neutral and polar, at codon 288 of the DMD protein (p.Arg288Ser). This variant is not present in population databases (gnomAD no frequency). This variant has not been reported in the literature in individuals affected with DMD-related conditions. Advanced modeling of protein sequence and biophysical properties (such as structural, functional, and spatial information, amino acid conservation, physicochemical variation, residue mobility, and thermodynamic stability) performed at Invitae indicates that this missense variant is not expected to disrupt DMD protein function with a negative predictive value of 95%. In summary, the available evidence is currently insufficient to determine the role of this variant in disease. Therefore, it has been classified as a Variant of Uncertain Significance.

NM_004006.3(DMD):c.864A>T (p.Arg288Ser)

Gene: DMD (dystrophin; minus strand). Cytogenetic location: Xp21.1.
Variant type: single nucleotide variant.
Coding change: c.864A>T on transcript NM_004006.3 (MANE Select); coding-DNA position 864, A replaced by T.
Protein change: p.Arg288Ser; replaces arginine 288 with serine.
Molecular consequence: missense variant.
Genome position (GRCh38, 1-based): chrX:32,697,966, T>A on the plus strand (A>T on the coding strand, the complement: DMD is on the minus strand). VCF-style: chrX-32697966-T-A. GRCh37 (hg19) VCF-style: chrX-32716083-T-A.
Other names: c.840A>T, p.Arg280Ser (NM_000109.4); c.852A>T, p.Arg284Ser (NM_004009.3); c.495A>T, p.Arg165Ser (NM_004010.3); short protein forms R165S, R280S, R284S, R288S.
Identifiers: ClinVar variation 3604187 (VCV003604187.2).